The following is an entry in ClinVar:

ClinVar aggregate classification (germline): Benign/Likely benign. Review status: criteria provided, multiple submitters, no conflicts (2 of 4 stars). 9 submissions from 9 submitters: Benign (7); Likely benign (1). 1 of the submissions does not count toward it. Last evaluated 2026-02-03.

Conditions:
Hyperaldosteronism, familial, type IV (HALD4). Also called: FH IV; ALDOSTERONISM, PRIMARY, AND HYPERTENSION. Identifiers: Orphanet 642671, MedGen C4310756, MONDO:0014875, OMIM 617027.
Idiopathic generalized epilepsy. Also called: Generalised epilepsy; EIG. Identifiers: MedGen C0270850, MONDO:0005579, OMIM 600669.
Epilepsy, childhood absence, susceptibility to, 6. Identifiers: Orphanet 64280, MedGen C2749872, MONDO:0012763, OMIM 611942.

Allele frequency attached by ClinVar (database versions not stated): gnomAD 0.64981 and 0.65000; ExAC 0.66278; gnomAD exomes 0.60272 and 0.65668; ESP Exome Variant Server 0.64683; TOPMed 0.65894; 1000 Genomes Project 30x 0.69878; 1000 Genomes Project 0.70068.
gnomAD v4.1: 926,420 of 1,523,120 alleles (61%); highest among the groups gnomAD compares: East Asian, 90%; 285,545 homozygotes.

Submissions (9):

Labcorp Genetics (formerly Invitae), Labcorp
Classification: Benign for Idiopathic generalized epilepsy; Hyperaldosteronism, familial, type IV. Last evaluated: 2026-02-03. Review status: criteria provided, single submitter. Criteria: Invitae Variant Classification Sherloc (09022015). Collection method: clinical testing. Allele origin: germline.

Blueprint Genetics
Classification: Likely benign. Last evaluated: 2024-11-27. Review status: criteria provided, single submitter. Criteria: ACMG Guidelines, 2015. Collection method: clinical testing. Allele origin: germline.

Mayo Clinic Laboratories, Mayo Clinic
Classification: Benign. Last evaluated: 2024-07-24. Review status: criteria provided, single submitter. Criteria: ACMG Guidelines, 2015. Collection method: clinical testing. Allele origin: germline. Observed: 70 variant alleles.
Comment: BA1, BS2, BP4

GeneDx
Classification: Benign. Last evaluated: 2019-11-27. Review status: criteria provided, single submitter. Criteria: GeneDx Variant Classification Process June 2021. Collection method: clinical testing. Allele origin: germline. Affected: yes.

Genome Diagnostics Laboratory, University Medical Center Utrecht
Classification: Benign for Epilepsy, childhood absence, susceptibility to, 6. Last evaluated: 2017-07-28. Review status: criteria provided, single submitter. Criteria: ACGS Guidelines, 2013. Collection method: clinical testing. Allele origin: germline. Affected: yes. Study: VKGL Data-share Consensus.

Athena Diagnostics
Classification: Benign. Last evaluated: 2017-04-20. Review status: criteria provided, single submitter. Criteria: Athena Diagnostics Criteria. Collection method: clinical testing. Allele origin: germline.

Eurofins Ntd Llc (ga)
Classification: Benign. Last evaluated: 2013-07-03. Review status: criteria provided, single submitter. Criteria: EGL Classification Definitions 2015. Collection method: clinical testing. Allele origin: germline. Observed: 7 variant alleles, 4 heterozygotes, 3 homozygotes.

Breakthrough Genomics
Classification: Benign. Review status: criteria provided, single submitter. Criteria: ACMG Guidelines, 2015. Collection method: not provided. Allele origin: germline. Inheritance: Autosomal dominant inheritance. Affected: yes.

Diagnostic Laboratory, Department of Genetics, University Medical Center Groningen
Classification: Benign for Epilepsy, childhood absence, susceptibility to, 6. Review status: no assertion criteria provided. Collection method: clinical testing. Allele origin: germline. Affected: yes. Study: VKGL Data-share Consensus. Not counted in ClinVar's aggregate classification.

NM_021098.3(CACNA1H):c.6230G>A (p.Arg2077His)

Gene: CACNA1H (calcium voltage-gated channel subunit alpha1 H; plus strand). Cytogenetic location: 16p13.3.
Variant type: single nucleotide variant.
Coding change: c.6230G>A on transcript NM_021098.3 (MANE Select); coding-DNA position 6230, G replaced by A.
Protein change: p.Arg2077His; replaces arginine 2077 with histidine.
Molecular consequence: missense variant.
Genome position (GRCh38, 1-based): chr16:1,220,162, G>A. VCF-style: chr16-1220162-G-A. GRCh37 (hg19) VCF-style: chr16-1270162-G-A.
Other names: c.6212G>A, p.Arg2071His (NM_001005407.2); short protein forms R2077H, R2071H.
Identifiers: ClinVar variation 96016 (VCV000096016.20), dbSNP rs1054645, ClinGen allele CA149155.